The following is an entry in ClinVar:

ClinVar aggregate classification (germline): Uncertain significance (1 of 4 stars; one submission).

Conditions:
Inborn genetic diseases. Identifiers: MedGen C0950123, MeSH D030342.

Submission:

Ambry Genetics
Classification: Uncertain significance for Inborn genetic diseases. Last evaluated: 2026-08-18. Review status: criteria provided, single submitter. Criteria: Ambry Variant Classification Scheme 2023. Collection method: clinical testing. Allele origin: germline.
Comment: The p.E754K variant (also known as c.2260G>A), located in coding exon 17 of the BUB1B gene, results from a G to A substitution at nucleotide position 2260. The glutamic acid at codon 754 is replaced by lysine, an amino acid with similar properties. This amino acid position is conserved. In addition, this alteration is predicted to be tolerated by in silico analysis. Based on the available evidence, the clinical significance of this variant remains unclear.

NM_001211.6(BUB1B):c.2260G>A (p.Glu754Lys)

Gene: BUB1B (BUB1 mitotic checkpoint serine/threonine kinase B; plus strand). Cytogenetic location: 15q15.1.
Variant type: single nucleotide variant.
Coding change: c.2260G>A on transcript NM_001211.6 (MANE Select); coding-DNA position 2260, G replaced by A.
Protein change: p.Glu754Lys; replaces glutamic acid 754 with lysine.
Molecular consequence: missense variant.
Genome position (GRCh38, 1-based): chr15:40,209,751, G>A. VCF-style: chr15-40209751-G-A. GRCh37 (hg19) VCF-style: chr15-40501952-G-A.
Other names: short protein forms E754K.
Identifiers: ClinVar variation 5033540 (VCV005033540.1).